The following is an entry in ClinVar:

ClinVar aggregate classification (germline): Uncertain significance (1 of 4 stars; one submission).

Allele frequency attached by ClinVar (database versions not stated): gnomAD exomes below 0.00001; ExAC 0.00001.
gnomAD v4.1: 2 of 1,613,262 alleles (0.00012%); highest among the groups gnomAD compares: Admixed American, 0.0033%; no homozygotes.

Submission:

Labcorp Genetics (formerly Invitae), Labcorp
Classification: Uncertain significance. Last evaluated: 2022-07-15. Review status: criteria provided, single submitter. Criteria: Invitae Variant Classification Sherloc (09022015). Collection method: clinical testing. Allele origin: germline.
Comment: This sequence change replaces phenylalanine, which is neutral and non-polar, with leucine, which is neutral and non-polar, at codon 928 of the CARMIL2 protein (p.Phe928Leu). This variant is present in population databases (rs781640263, gnomAD 0.006%). This variant has not been reported in the literature in individuals affected with CARMIL2-related conditions. Algorithms developed to predict the effect of missense changes on protein structure and function (SIFT, PolyPhen-2, Align-GVGD) all suggest that this variant is likely to be tolerated. In summary, the available evidence is currently insufficient to determine the role of this variant in disease. Therefore, it has been classified as a Variant of Uncertain Significance.

NM_001013838.3(CARMIL2):c.2784C>A (p.Phe928Leu)

Gene: CARMIL2 (capping protein regulator and myosin 1 linker 2; plus strand). Cytogenetic location: 16q22.1.
Variant type: single nucleotide variant.
Coding change: c.2784C>A on transcript NM_001013838.3 (MANE Select); coding-DNA position 2784, C replaced by A.
Protein change: p.Phe928Leu; replaces phenylalanine 928 with leucine.
Molecular consequence: missense variant.
Genome position (GRCh38, 1-based): chr16:67,652,306, C>A. VCF-style: chr16-67652306-C-A. GRCh37 (hg19) VCF-style: chr16-67686209-C-A.
Other names: c.2676C>A, p.Phe892Leu (NM_001317026.3); short protein forms F928L, F892L.
Identifiers: ClinVar variation 2152548 (VCV002152548.3), dbSNP rs781640263, ClinGen allele CA8113885.